The following is an entry in ClinVar:

NM_000051.4(ATM):c.662+243T>G

Gene: ATM (ATM serine/threonine kinase; plus strand). Cytogenetic location: 11q22.3.
Variant type: single nucleotide variant.
Coding change: c.662+243T>G on transcript NM_000051.4 (MANE Select); 243 bases into the intron after coding-DNA position 662, T replaced by G.
Molecular consequence: intron variant.
Genome position (GRCh38, 1-based): chr11:108,244,361, T>G. VCF-style: chr11-108244361-T-G. GRCh37 (hg19) VCF-style: chr11-108115088-T-G.
Other names: c.662+243T>G (NM_001351834.2).
Identifiers: ClinVar variation 2453958 (VCV002453958.3), dbSNP rs2497139887, ClinGen allele CA2580083221.

ClinVar aggregate classification (germline): Likely pathogenic (1 of 4 stars; one submission).

Conditions:
Hereditary cancer-predisposing syndrome. Also called: Hereditary Cancer Syndrome; Hereditary neoplastic syndrome; Neoplastic Syndromes, Hereditary; Tumor predisposition. Identifiers: Orphanet 140162, MedGen C0027672, MeSH D009386, MONDO:0015356.

Submission:

Ambry Genetics
Classification: Likely pathogenic for Hereditary cancer-predisposing syndrome. Last evaluated: 2026-08-14. Review status: criteria provided, single submitter. Criteria: Ambry Variant Classification Scheme 2023. Collection method: clinical testing. Allele origin: germline.
Comment: The c.662+243T>G intronic variant results from a T to G substitution 243 nucleotides after coding exon 5 in the ATM gene. This nucleotide position is not well conserved in available vertebrate species. In silico splice site analysis predicts that this alteration will result in the creation or strengthening of a novel splice donor site. RNA studies have demonstrated that this variant results in abnormal splicing in the set of samples tested (Ambry internal data). This variant is considered to be rare based on population cohorts in the Genome Aggregation Database (gnomAD). Based on the majority of available evidence to date, this variant is likely to be pathogenic.